The following is an entry in ClinVar:

ClinVar aggregate classification (germline): Uncertain significance (1 of 4 stars; one submission).

Conditions:
Generalized epilepsy with febrile seizures plus, type 7 (GEFSP7). Also called: GEFS+, TYPE 7. Identifiers: Orphanet 36387, MedGen C2751778, MONDO:0013470, OMIM 613863.
Neuropathy, hereditary sensory and autonomic, type 2A (HSAN2A). Also called: MORVAN DISEASE; NEUROPATHY, CONGENITAL SENSORY; NEUROPATHY, HEREDITARY SENSORY RADICULAR, AUTOSOMAL RECESSIVE; NEUROPATHY, HEREDITARY SENSORY, TYPE IIA; NEUROPATHY, PROGRESSIVE SENSORY, OF CHILDREN; WNK1-Related HSAN2 (HSAN2A). Identifiers: Orphanet 970, MedGen C2752089, MONDO:0024309, OMIM 201300.

Allele frequency attached by ClinVar (database versions not stated): gnomAD exomes below 0.00001.
gnomAD v4.1: 3 of 1,613,376 alleles (0.00019%); highest among the groups gnomAD compares: Non-Finnish European, 0.00025%; no homozygotes.

Submission:

Labcorp Genetics (formerly Invitae), Labcorp
Classification: Uncertain significance for Neuropathy, hereditary sensory and autonomic, type 2A; Generalized epilepsy with febrile seizures plus, type 7. Last evaluated: 2023-11-09. Review status: criteria provided, single submitter. Criteria: Invitae Variant Classification Sherloc (09022015). Collection method: clinical testing. Allele origin: germline.
Comment: This sequence change replaces glutamine, which is neutral and polar, with histidine, which is basic and polar, at codon 676 of the SCN9A protein (p.Gln676His). This variant is not present in population databases (gnomAD no frequency). This variant has not been reported in the literature in individuals affected with SCN9A-related conditions. ClinVar contains an entry for this variant (Variation ID: 855276). Advanced modeling of protein sequence and biophysical properties (such as structural, functional, and spatial information, amino acid conservation, physicochemical variation, residue mobility, and thermodynamic stability) performed at Invitae indicates that this missense variant is not expected to disrupt SCN9A protein function with a negative predictive value of 95%. In summary, the available evidence is currently insufficient to determine the role of this variant in disease. Therefore, it has been classified as a Variant of Uncertain Significance.

NM_001365536.1(SCN9A):c.2061G>C (p.Gln687His)

Genes: SCN1A-AS1 (SCN1A and SCN9A antisense RNA 1; plus strand), SCN9A (sodium voltage-gated channel alpha subunit 9; minus strand). Cytogenetic location: 2q24.3.
Variant type: single nucleotide variant.
Coding change: c.2061G>C on transcript NM_001365536.1 (MANE Select); coding-DNA position 2061, G replaced by C.
Protein change: p.Gln687His; replaces glutamine 687 with histidine.
Molecular consequence: missense variant.
Genome position (GRCh38, 1-based): chr2:166,281,722, C>G on the plus strand (G>C on the coding strand, the complement: SCN9A is on the minus strand). VCF-style: chr2-166281722-C-G. GRCh37 (hg19) VCF-style: chr2-167138232-C-G.
Other names: c.2028G>C, p.Gln676His (NM_002977.4); short protein forms Q676H, Q687H.
Identifiers: ClinVar variation 855276 (VCV000855276.10), dbSNP rs1245649359, ClinGen allele CA349081037.